The following is an entry in ClinVar:

ClinVar aggregate classification (germline): Benign/Likely benign. Review status: criteria provided, multiple submitters, no conflicts (2 of 4 stars). 12 submissions from 12 submitters: Benign (3); Likely benign (8). 1 of the submissions does not count toward it. Last evaluated 2026-02-04.

Conditions:
Alstrom syndrome (ALMS). Identifiers: Orphanet 64, MedGen C0268425, MONDO:0008763, OMIM 203800.
Cardiovascular phenotype. Identifiers: MedGen CN230736.
Monogenic diabetes. Identifiers: Orphanet 183625, MedGen C3888631, MONDO:0015967.

Allele frequency attached by ClinVar (database versions not stated): 1000 Genomes Project 30x 0.00094; 1000 Genomes Project 0.00100; ExAC 0.00169; ESP Exome Variant Server 0.00176; TOPMed 0.00187; gnomAD exomes 0.00188; gnomAD 0.00199 and 0.00204.
gnomAD v4.1: 4,477 of 1,614,028 alleles (0.28%); highest among the groups gnomAD compares: Non-Finnish European, 0.33%; 11 homozygotes.

Submissions (12):

Labcorp Genetics (formerly Invitae), Labcorp
Classification: Likely benign for Alstrom syndrome. Last evaluated: 2026-02-04. Review status: criteria provided, single submitter. Criteria: Invitae Variant Classification Sherloc (09022015). Collection method: clinical testing. Allele origin: germline.

ARUP Laboratories, Molecular Genetics and Genomics, ARUP Laboratories
Classification: Likely benign for Alstrom syndrome. Last evaluated: 2025-07-08. Review status: criteria provided, single submitter. Criteria: ARUP Molecular Germline Variant Investigation Process 2024. Collection method: clinical testing. Allele origin: germline.

CeGaT Center for Human Genetics Tuebingen
Classification: Likely benign. Last evaluated: 2025-04-01. Review status: criteria provided, single submitter. Criteria: CeGaT Center For Human Genetics Tuebingen Variant Classification Criteria Version 2. Collection method: clinical testing. Allele origin: germline. Affected: yes. Observed: 4 variant alleles.
Comment: ALMS1: BP4

Blueprint Genetics
Classification: Likely benign. Last evaluated: 2024-11-07. Review status: criteria provided, single submitter. Criteria: ACMG Guidelines, 2015. Collection method: clinical testing. Allele origin: germline.

Women's Health and Genetics/Laboratory Corporation of America, LabCorp
Classification: Benign. Last evaluated: 2022-02-06. Review status: criteria provided, single submitter. Criteria: LabCorp Variant Classification Summary - May 2015. Collection method: clinical testing. Allele origin: germline.
Comment: Variant summary: ALMS1 c.3308G>A/p.Gly1103Asp (also known as c.3314G>A in RefSeq) results in a non-conservative amino acid change located in the Alstrom syndrome repeat (IPR040972) of the encoded protein sequence. Two of three in-silico tools predict a benign effect of the variant on protein function. The variant allele was found at a frequency of 0.0019 in 248562 control chromosomes, predominantly at a frequency of 0.0026 within the Non-Finnish European subpopulation in the gnomAD database, including 1 homozygotes. The observed variant frequency within Non-Finnish European control individuals in the gnomAD database is approximately 2 fold of the estimated maximal expected allele frequency for a pathogenic variant in ALMS1 causing Alstrom Syndrome phenotype (0.0014), strongly suggesting that the variant is a benign polymorphism found primarily in populations of Non-Finnish European origin. Although the variant has been reported in a paper describing the mutational spectrum of Alstrom syndrome, this publication provides no primary evidence supporting a pathogenic outcome (Marshall_2015). To our knowledge, no occurrence of c.3308G>A in individuals affected with Alstrom Syndrome and no experimental evidence demonstrating its impact on protein function have been reported. At-least one co-occurrence with another pathogenic variant has been observed at our laboratory (TTR c.424G>A , p.Val1421Ile), providing supporting evidence for a benign role. Four clinical diagnostic laboratories have submitted clinical-significance assessments for this variant to ClinVar after 2014 without evidence for independent evaluation. All laboratories classified the variant as benign/likely benign. Based on the evidence outlined above, the variant was classified as benign.

Genetic Services Laboratory, University of Chicago
Classification: Likely benign. Last evaluated: 2021-12-26. Review status: criteria provided, single submitter. Criteria: ACMG Guidelines, 2015. Collection method: clinical testing. Allele origin: germline. Affected: no.

GeneDx
Classification: Likely benign. Last evaluated: 2021-03-18. Review status: criteria provided, single submitter. Criteria: GeneDx Variant Classification Process June 2021. Collection method: clinical testing. Allele origin: germline. Affected: yes.

Ambry Genetics
Classification: Likely benign for Cardiovascular phenotype. Last evaluated: 2019-01-26. Review status: criteria provided, single submitter. Criteria: Ambry Variant Classification Scheme 2023. Collection method: clinical testing. Allele origin: germline.

Personalized Diabetes Medicine Program, University of Maryland School of Medicine
Classification: Benign for Monogenic diabetes. Last evaluated: 2019-01-25. Review status: criteria provided, single submitter. Criteria: ACMG Guidelines, 2015. Collection method: research. Allele origin: unknown. Observed: 3 variant alleles, 3 heterozygotes.
Comment: ACMG criteria: BP4 (8 predictors + REVEL score 0.117), BS2 (1 homozygotes in gnomAD), BP1 (missense when truncating are cause of disease)= benign

Breakthrough Genomics
Classification: Likely benign. Review status: criteria provided, single submitter. Criteria: ACMG Guidelines, 2015. Collection method: not provided. Allele origin: germline. Inheritance: Autosomal recessive inheritance. Affected: yes.

Clinical Genomics, Uppaluri K&H Personalized Medicine Clinic
Classification: Benign for Alstrom syndrome. Review status: criteria provided, single submitter. Criteria: K & H Uppaluri Personalized Medicine Clinic Variant Classification & Assertion Criteria_Updated V.1. Collection method: research. Allele origin: unknown. Inheritance: Autosomal recessive inheritance.
Comment: Potent mutations in ALMS1 are associated with a rare condition called Alstrom syndrome. It can cause excessive eating, insulin resistance. However, no evidence is found to ascertain the role of rs201074268 in Alstrom syndrome yet.

Natera, Inc.
Classification: Benign for Alstrom syndrome. Last evaluated: 2019-12-05. Review status: no assertion criteria provided. Collection method: clinical testing. Allele origin: germline. Not counted in ClinVar's aggregate classification.

Literature cited by the submitters: PubMed 25846608 (cited by Women's Health and Genetics/Laboratory Corporation of America, LabCorp and Clinical Genomics, Uppaluri K&H Personalized Medicine Clinic); PubMed 34148947 (cited by Clinical Genomics, Uppaluri K&H Personalized Medicine Clinic); PubMed 30421101 (cited by Clinical Genomics, Uppaluri K&H Personalized Medicine Clinic); PubMed 33669459 (cited by Clinical Genomics, Uppaluri K&H Personalized Medicine Clinic).

NM_001378454.1(ALMS1):c.3311G>A (p.Gly1104Asp)

Gene: ALMS1 (ALMS1 centrosome and basal body associated protein; plus strand). Cytogenetic location: 2p13.1.
Variant type: single nucleotide variant.
Coding change: c.3311G>A on transcript NM_001378454.1 (MANE Select); coding-DNA position 3311, G replaced by A.
Protein change: p.Gly1104Asp; replaces glycine 1104 with aspartic acid.
Molecular consequence: missense variant.
Genome position (GRCh38, 1-based): chr2:73,449,838, G>A. VCF-style: chr2-73449838-G-A. GRCh37 (hg19) VCF-style: chr2-73676965-G-A.
Other names: c.3314G>A, p.Gly1105Asp (NM_015120.4); short protein forms G1105D, G1104D.
Identifiers: ClinVar variation 387328 (VCV000387328.57), dbSNP rs201074268, ClinGen allele CA1713503.